The following is an entry in ClinVar:

Single allele

Genes: APBA2 (amyloid beta precursor protein binding family A member 2; plus strand), ARHGAP11B (Rho GTPase activating protein 11B), ATP10A (ATPase phospholipid transporting 10A (putative); minus strand), CHRFAM7A (CHRNA7 (exons 5-10) and FAM7A (exons A-E) fusion; minus strand), CHRNA7 (cholinergic receptor nicotinic alpha 7 subunit) and 39 more. Cytogenetic location: 15q11.2-13.3.
Variant type: Duplication.
Identifiers: ClinVar variation 2671594 (VCV002671594.1).

ClinVar aggregate classification (germline): Pathogenic (1 of 4 stars; one submission).

Submission:

Illumina Laboratory Services, Illumina
Classification: Pathogenic. Last evaluated: 2023-05-22. Review status: criteria provided, single submitter. Criteria: ICSL CNVClassificationCriteria Aug2020. Collection method: clinical testing. Allele origin: unknown.
Comment: This CNV is an approximately 9.7 Mb gain of 15q11.2-q13.3 on chromosome 15, (seq[GRCh37]dup(15)(q11.2q13.3);NC_000015.9:g.22750407_32516333dup) that occurred de novo. The CNV consists of a ~7.6 Mb triplication and a ~1.6 Mb duplication. This region encompasses the Prader Willi/Angelman critical region; duplication or triplication of this imprinted region is associated with the well described maternal 15q duplication syndrome when maternally derived (PMID: 27308687). This chromosomal region is known to be susceptible to rearrangements due to a cluster of five low copy repeats (BP1-BP5); however the exact breakpoints cannot be clearly identified. Together, the triplication and duplication suggest an asymmetric recombination event between BP4 and BP5 resulting in the formation of an isodicentric 15q11.2-q13.2 supernumerary chromosome, idic(15) which includes a region of tetrasomy from the centromere to BP4 and a region of trisomy from BP4 to BP5 (PMIDs: 22585586; 15197683). The CNV has not been reported in published controls and is not present in the Database of Genomic Variants (PMID: 24174537). Based on the available evidence, this CNV is classified as pathogenic.